The following is an entry in ClinVar:

ClinVar aggregate classification (germline): Uncertain significance (1 of 4 stars; one submission).

Conditions:
Xeroderma pigmentosum, group F (XPF). Also called: XERODERMA PIGMENTOSUM, COMPLEMENTATION GROUP F; XERODERMA PIGMENTOSUM VI; XP, GROUP F; ERCC4-Related Xeroderma Pigmentosum; XERODERMA PIGMENTOSUM, TYPE F; Xeroderma pigmentosum, type 6. Identifiers: MedGen C0268140, MONDO:0010215, OMIM 278760.
Cockayne syndrome. Identifiers: Orphanet 191, MedGen C0009207, MONDO:0016006.
Fanconi anemia complementation group Q. Identifiers: Orphanet 84, MedGen C3808988, MONDO:0014108, OMIM 615272.

gnomAD v4.1: 1 of 1,613,730 alleles (0.000062%); highest among the groups gnomAD compares: Non-Finnish European, 0.000085%; no homozygotes.

Submission:

Labcorp Genetics (formerly Invitae), Labcorp
Classification: Uncertain significance for Fanconi anemia complementation group Q; Xeroderma pigmentosum, group F; Cockayne syndrome. Last evaluated: 2022-04-29. Review status: criteria provided, single submitter. Criteria: Invitae Variant Classification Sherloc (09022015). Collection method: clinical testing. Allele origin: germline.
Comment: In summary, the available evidence is currently insufficient to determine the role of this variant in disease. Therefore, it has been classified as a Variant of Uncertain Significance. Algorithms developed to predict the effect of missense changes on protein structure and function (SIFT, PolyPhen-2, Align-GVGD) all suggest that this variant is likely to be tolerated. This variant has not been reported in the literature in individuals affected with ERCC4-related conditions. This variant is not present in population databases (gnomAD no frequency). This sequence change replaces asparagine, which is neutral and polar, with lysine, which is basic and polar, at codon 308 of the ERCC4 protein (p.Asn308Lys).

NM_005236.3(ERCC4):c.924T>A (p.Asn308Lys)

Gene: ERCC4 (ERCC excision repair 4, endonuclease catalytic subunit; plus strand). Cytogenetic location: 16p13.12.
Variant type: single nucleotide variant.
Coding change: c.924T>A on transcript NM_005236.3 (MANE Select); coding-DNA position 924, T replaced by A.
Protein change: p.Asn308Lys; replaces asparagine 308 with lysine.
Molecular consequence: missense variant.
Genome position (GRCh38, 1-based): chr16:13,930,841, T>A. VCF-style: chr16-13930841-T-A. GRCh37 (hg19) VCF-style: chr16-14024698-T-A.
Other names: short protein forms N308K.
Identifiers: ClinVar variation 2191038 (VCV002191038.4), dbSNP rs1408777193, ClinGen allele CA394804714.